The following is an entry in ClinVar:

NM_013339.4(ALG6):c.301C>T (p.Arg101Cys)

Gene: ALG6 (ALG6 alpha-1,3-glucosyltransferase; plus strand). Cytogenetic location: 1p31.3.
Variant type: single nucleotide variant.
Coding change: c.301C>T on transcript NM_013339.4 (MANE Select); coding-DNA position 301, C replaced by T.
Protein change: p.Arg101Cys; replaces arginine 101 with cysteine.
Molecular consequence: missense variant.
Genome position (GRCh38, 1-based): chr1:63,404,496, C>T. VCF-style: chr1-63404496-C-T. GRCh37 (hg19) VCF-style: chr1-63870167-C-T.
Other names: short protein forms R101C.
Identifiers: ClinVar variation 2140451 (VCV002140451.1), dbSNP rs773328749, ClinGen allele CA888131.
Genomic context (GRCh38, chr1:63,404,496, plus strand): 5'-TATGCTTTGATTTGCAGGGCAAAGTTTATAAATCCAGACTGGATTGCTCTCCATACATCA[C>T]GTGGATATGAGAGTCAGGCACATAAGCTCTTCATGCGTACAACAGGTAAAAGAGCAATGG-3'
Protein context (NP_037471.2, residues 91-111): NPDWIALHTS[Arg101Cys]GYESQAHKLF

ClinVar aggregate classification (germline): Uncertain significance (1 of 4 stars; one submission).

Conditions:
ALG6-congenital disorder of glycosylation 1C (CDG1C). Also called: CARBOHYDRATE-DEFICIENT GLYCOPROTEIN SYNDROME, TYPE I, WITH DEFICIENT GLYCOSYLATION OF DOLICHOL-LINKED OLIGOSACCHARIDE; CARBOHYDRATE-DEFICIENT GLYCOPROTEIN SYNDROME, TYPE V; Congenital disorder of glycosylation type 1C; CDG Ic; Congenital disorder of glycosylation, type Ic. Identifiers: Orphanet 79320, MedGen C2930997, MONDO:0011291, OMIM 603147.

Allele frequency attached by ClinVar (database versions not stated): TOPMed below 0.00001; ExAC 0.00001; gnomAD 0.00001; gnomAD exomes 0.00001.
gnomAD v4.1: 10 of 1,613,552 alleles (0.00062%); highest among the groups gnomAD compares: East Asian, 0.011%; no homozygotes.

Submission:

Labcorp Genetics (formerly Invitae), Labcorp
Classification: Uncertain significance for ALG6-congenital disorder of glycosylation 1C. Last evaluated: 2022-01-12. Review status: criteria provided, single submitter. Criteria: Invitae Variant Classification Sherloc (09022015). Collection method: clinical testing. Allele origin: germline.
Comment: This sequence change replaces arginine, which is basic and polar, with cysteine, which is neutral and slightly polar, at codon 101 of the ALG6 protein (p.Arg101Cys). This variant is present in population databases (rs773328749, gnomAD 0.006%). This variant has not been reported in the literature in individuals affected with ALG6-related conditions. Algorithms developed to predict the effect of missense changes on protein structure and function (SIFT, PolyPhen-2, Align-GVGD) all suggest that this variant is likely to be disruptive. In summary, the available evidence is currently insufficient to determine the role of this variant in disease. Therefore, it has been classified as a Variant of Uncertain Significance.